The following is an entry in ClinVar:

NM_020821.3(VPS13C):c.5896A>G (p.Ser1966Gly)

Gene: VPS13C (vacuolar protein sorting 13 homolog C; minus strand). Cytogenetic location: 15q22.2.
Variant type: single nucleotide variant.
Coding change: c.5896A>G on transcript NM_020821.3 (MANE Select); coding-DNA position 5896, A replaced by G.
Protein change: p.Ser1966Gly; replaces serine 1966 with glycine.
Molecular consequence: missense variant.
Genome position (GRCh38, 1-based): chr15:61,931,232, T>C on the plus strand (A>G on the coding strand, the complement: VPS13C is on the minus strand). VCF-style: chr15-61931232-T-C. GRCh37 (hg19) VCF-style: chr15-62223431-T-C.
Other names: c.5896A>G, p.Ser1966Gly (NM_001018088.3); c.5767A>G, p.Ser1923Gly (NM_017684.5, NM_018080.4); short protein forms S1923G, S1966G.
Identifiers: ClinVar variation 5017302 (VCV005017302.1).

ClinVar aggregate classification (germline): Uncertain significance (1 of 4 stars; one submission).

gnomAD v4.1: 2 of 1,613,866 alleles (0.00012%); highest among the groups gnomAD compares: Admixed American, 0.0017%; no homozygotes.

Submission:

GeneDx
Classification: Uncertain significance. Last evaluated: 2026-03-30. Review status: criteria provided, single submitter. Criteria: GeneDx Variant Classification Process June 2021. Collection method: clinical testing. Allele origin: germline.
Comment: Not observed at significant frequency in large population cohorts (gnomAD); In silico analysis suggests that this missense variant does not alter protein structure/function; Has not been previously published as pathogenic or benign to our knowledge